The following is an entry in ClinVar:

ClinVar aggregate classification (germline): Uncertain significance (1 of 4 stars; one submission).

Conditions:
Autosomal dominant nocturnal frontal lobe epilepsy 5. Also called: KCNT1-Related Epilepsy; CILIARY DYSKINESIA, PRIMARY, 28, WITHOUT SITUS INVERSUS; CILIARY DYSKINESIA, PRIMARY, 28, WITH SITUS INVERSUS; Epilepsy, nocturnal frontal lobe, 5. Identifiers: Orphanet 98784, MedGen C3554306, MONDO:0014002, OMIM 615005.
Developmental and epileptic encephalopathy, 14 (DEE14). Also called: Early infantile epileptic encephalopathy 14. Identifiers: Orphanet 293181, MedGen C3554195, MONDO:0013989, OMIM 614959.

gnomAD v4.1: 6 of 1,576,860 alleles (0.00038%); highest among the groups gnomAD compares: Middle Eastern, 0.02%; no homozygotes.

Submission:

Labcorp Genetics (formerly Invitae), Labcorp
Classification: Uncertain significance for Autosomal dominant nocturnal frontal lobe epilepsy 5; Developmental and epileptic encephalopathy, 14. Last evaluated: 2020-08-15. Review status: criteria provided, single submitter. Criteria: Invitae Variant Classification Sherloc (09022015). Collection method: clinical testing. Allele origin: germline.
Comment: In summary, the available evidence is currently insufficient to determine the role of this variant in disease. Therefore, it has been classified as a Variant of Uncertain Significance. This sequence change replaces alanine with serine at codon 1130 of the KCNT1 protein (p.Ala1130Ser). The alanine residue is moderately conserved and there is a moderate physicochemical difference between alanine and serine. The frequency data for this variant in the population databases is considered unreliable, as metrics indicate insufficient coverage at this position in the ExAC database. This variant has not been reported in the literature in individuals with KCNT1-related conditions. Advanced modeling of protein sequence and biophysical properties (such as structural, functional, and spatial information, amino acid conservation, physicochemical variation, residue mobility, and thermodynamic stability) performed at Invitae indicates that this missense variant is not expected to disrupt KCNT1 protein function.

NM_020822.3(KCNT1):c.3388G>T (p.Ala1130Ser)

Gene: KCNT1 (potassium sodium-activated channel subfamily T member 1; plus strand). Cytogenetic location: 9q34.3.
Variant type: single nucleotide variant.
Coding change: c.3388G>T on transcript NM_020822.3 (MANE Select); coding-DNA position 3388, G replaced by T.
Protein change: p.Ala1130Ser; replaces alanine 1130 with serine.
Molecular consequence: missense variant.
Genome position (GRCh38, 1-based): chr9:135,786,407, G>T. VCF-style: chr9-135786407-G-T. GRCh37 (hg19) VCF-style: chr9-138678253-G-T.
Other names: c.3253G>T, p.Ala1085Ser (NM_001272003.2); short protein forms A1085S, A1130S.
Identifiers: ClinVar variation 1036885 (VCV001036885.9), dbSNP rs138421850, ClinGen allele CA375491940.